The following is an entry in ClinVar:

NM_203446.3(SYNJ1):c.3604G>T (p.Ala1202Ser)

Gene: SYNJ1 (synaptojanin 1; minus strand). Cytogenetic location: 21q22.11.
Variant type: single nucleotide variant.
Coding change: c.3604G>T on transcript NM_203446.3 (MANE Select); coding-DNA position 3604, G replaced by T.
Protein change: p.Ala1202Ser; replaces alanine 1202 with serine.
Molecular consequence: missense variant.
Genome position (GRCh38, 1-based): chr21:32,639,764, C>A on the plus strand (G>T on the coding strand, the complement: SYNJ1 is on the minus strand). VCF-style: chr21-32639764-C-A. GRCh37 (hg19) VCF-style: chr21-34012074-C-A.
Other names: c.3556G>T, p.Ala1186Ser (NM_001160302.2); c.3463G>T, p.Ala1155Ser (NM_001160306.2); c.3721G>T, p.Ala1241Ser (NM_003895.4); short protein forms A1155S, A1186S, A1202S, A1241S.
Identifiers: ClinVar variation 1055785 (VCV001055785.6), dbSNP rs543639398, ClinGen allele CA10003309.

ClinVar aggregate classification (germline): Uncertain significance. Review status: criteria provided, multiple submitters, no conflicts (2 of 4 stars). 2 submissions from 2 submitters: Uncertain significance (2). Last evaluated 2024-09-12.

Conditions:
Inborn genetic diseases. Identifiers: MedGen C0950123, MeSH D030342.
Developmental and epileptic encephalopathy, 53. Also called: Epileptic encephalopathy, early infantile, 53. Identifiers: MedGen C4479313, MONDO:0033362, OMIM 617389.
Early-onset Parkinson disease 20. Also called: PARKINSON DISEASE 20, AUTOSOMAL RECESSIVE EARLY-ONSET. Identifiers: Orphanet 391411, MedGen C3809824, MONDO:0014233, OMIM 615530.

Allele frequency attached by ClinVar (database versions not stated): ExAC 0.00001; gnomAD 0.00001; gnomAD exomes 0.00001 and 0.00002; TOPMed 0.00003.
gnomAD v4.1: 19 of 1,613,860 alleles (0.0012%); highest among the groups gnomAD compares: Non-Finnish European, 0.0014%; no homozygotes.

Submissions (2):

Labcorp Genetics (formerly Invitae), Labcorp
Classification: Uncertain significance for Developmental and epileptic encephalopathy, 53; Early-onset Parkinson disease 20. Last evaluated: 2024-09-12. Review status: criteria provided, single submitter. Criteria: Invitae Variant Classification Sherloc (09022015). Collection method: clinical testing. Allele origin: germline.
Comment: This sequence change replaces alanine, which is neutral and non-polar, with serine, which is neutral and polar, at codon 1241 of the SYNJ1 protein (p.Ala1241Ser). This variant is present in population databases (rs543639398, gnomAD 0.003%). This variant has not been reported in the literature in individuals affected with SYNJ1-related conditions. ClinVar contains an entry for this variant (Variation ID: 1055785). Invitae Evidence Modeling of protein sequence and biophysical properties (such as structural, functional, and spatial information, amino acid conservation, physicochemical variation, residue mobility, and thermodynamic stability) indicates that this missense variant is not expected to disrupt SYNJ1 protein function with a negative predictive value of 80%. In summary, the available evidence is currently insufficient to determine the role of this variant in disease. Therefore, it has been classified as a Variant of Uncertain Significance.

Ambry Genetics
Classification: Uncertain significance for Inborn genetic diseases. Last evaluated: 2024-07-01. Review status: criteria provided, single submitter. Criteria: Ambry Variant Classification Scheme 2023. Collection method: clinical testing. Allele origin: germline.